The following is an entry in ClinVar:

ClinVar aggregate classification (germline): Uncertain significance (1 of 4 stars; one submission).

Allele frequency attached by ClinVar (database versions not stated): gnomAD exomes below 0.00001 and 0.00004; ExAC 0.00001; gnomAD 0.00002 and 0.00003; TOPMed 0.00002; ESP Exome Variant Server 0.00008.

Submission:

Labcorp Genetics (formerly Invitae), Labcorp
Classification: Uncertain significance. Last evaluated: 2022-06-27. Review status: criteria provided, single submitter. Criteria: Invitae Variant Classification Sherloc (09022015). Collection method: clinical testing. Allele origin: germline.
Comment: In summary, the available evidence is currently insufficient to determine the role of this variant in disease. Therefore, it has been classified as a Variant of Uncertain Significance. This sequence change replaces glutamic acid with glutamine at codon 598 of the KLHL9 protein (p.Glu598Gln). The glutamic acid residue is highly conserved and there is a small physicochemical difference between glutamic acid and glutamine. This variant is present in population databases (rs200976541, gnomAD 0.002%). This variant has not been reported in the literature in individuals affected with KLHL9-related conditions. Algorithms developed to predict the effect of missense changes on protein structure and function are either unavailable or do not agree on the potential impact of this missense change (SIFT: "Not Available"; PolyPhen-2: "Benign"; Align-GVGD: "Not Available").

NM_018847.4(KLHL9):c.1792G>C (p.Glu598Gln)

Gene: KLHL9 (kelch like family member 9; minus strand). Cytogenetic location: 9p21.3.
Variant type: single nucleotide variant.
Coding change: c.1792G>C on transcript NM_018847.4 (MANE Select); coding-DNA position 1792, G replaced by C.
Protein change: p.Glu598Gln; replaces glutamic acid 598 with glutamine.
Molecular consequence: missense variant.
Genome position (GRCh38, 1-based): chr9:21,333,068, C>G on the plus strand (G>C on the coding strand, the complement: KLHL9 is on the minus strand). VCF-style: chr9-21333068-C-G. GRCh37 (hg19) VCF-style: chr9-21333067-C-G.
Other names: short protein forms E598Q.
Identifiers: ClinVar variation 1517258 (VCV001517258.6), dbSNP rs200976541, ClinGen allele CA5010471.